The following is an entry in ClinVar:

NM_000081.4(LYST):c.9925+1G>T

Gene: LYST (lysosomal trafficking regulator; minus strand). Cytogenetic location: 1q42.3.
Variant type: single nucleotide variant.
Coding change: c.9925+1G>T on transcript NM_000081.4 (MANE Select); the canonical splice donor site of the intron after coding-DNA position 9925, G replaced by T.
Molecular consequence: splice donor variant.
Genome position (GRCh38, 1-based): chr1:235,712,056, C>A on the plus strand (G>T on the coding strand, the complement: LYST is on the minus strand). VCF-style: chr1-235712056-C-A. GRCh37 (hg19) VCF-style: chr1-235875356-C-A.
Other names: c.9925+1G>T (NM_001301365.1).
Identifiers: ClinVar variation 2851231 (VCV002851231.3), dbSNP rs2527380452, ClinGen allele CA344936606.

ClinVar aggregate classification (germline): Likely pathogenic (1 of 4 stars; one submission).

Conditions:
Chédiak-Higashi syndrome (CHS). Also called: Chediak-Higashi Syndrome. Identifiers: Orphanet 167, MedGen C0007965, MONDO:0008963, OMIM 214500.

Allele frequency attached by ClinVar (database versions not stated): gnomAD exomes below 0.00001.
gnomAD v4.1: 2 of 1,533,224 alleles (0.00013%); highest among the groups gnomAD compares: Non-Finnish European, 0.00018%; no homozygotes.

Submission:

Labcorp Genetics (formerly Invitae), Labcorp
Classification: Likely pathogenic for Chédiak-Higashi syndrome. Last evaluated: 2025-07-07. Review status: criteria provided, single submitter. Criteria: Invitae Variant Classification Sherloc (09022015). Collection method: clinical testing. Allele origin: germline.
Comment: This sequence change affects a donor splice site in intron 43 of the LYST gene. It is expected to disrupt RNA splicing. Variants that disrupt the donor or acceptor splice site typically lead to a loss of protein function (PMID: 16199547), and loss-of-function variants in LYST are known to be pathogenic (PMID: 9215679, 11857544). This variant is not present in population databases (gnomAD no frequency). Disruption of this splice site has been observed in individual(s) with Chediak-Higashi syndrome (PMID: 36968585). ClinVar contains an entry for this variant (Variation ID: 2851231). Algorithms developed to predict the effect of sequence changes on RNA splicing suggest that this variant may disrupt the consensus splice site. In summary, the currently available evidence indicates that the variant is pathogenic, but additional data are needed to prove that conclusively. Therefore, this variant has been classified as Likely Pathogenic.

Literature cited by the submitters: PubMed 16199547; PubMed 9215679; PubMed 11857544; PubMed 36968585.